The following is an entry in ClinVar:

ClinVar aggregate classification (germline): Uncertain significance (1 of 4 stars; one submission).

Conditions:
Telangiectasia, hereditary hemorrhagic, type 2 (HHT2). Also called: ACVRL1-Related Hereditary Hemorrhagic Telangiectasia; Telangiectasia, hereditary hemorrhagic, type II. Identifiers: Orphanet 774, MedGen C1838163, MONDO:0010880, OMIM 600376. Disease mechanism: loss of function.

Submission:

Labcorp Genetics (formerly Invitae), Labcorp
Classification: Uncertain significance for Telangiectasia, hereditary hemorrhagic, type 2. Last evaluated: 2024-05-27. Review status: criteria provided, single submitter. Criteria: Invitae Variant Classification Sherloc (09022015). Collection method: clinical testing. Allele origin: germline.
Comment: This sequence change replaces phenylalanine, which is neutral and non-polar, with leucine, which is neutral and non-polar, at codon 192 of the ACVRL1 protein (p.Phe192Leu). This variant is not present in population databases (gnomAD no frequency). This missense change has been observed in individual(s) with clinical features of hereditary hemorrhagic telangiectasia (Invitae). Advanced modeling of protein sequence and biophysical properties (such as structural, functional, and spatial information, amino acid conservation, physicochemical variation, residue mobility, and thermodynamic stability) has been performed at Invitae for this missense variant, however the output from this modeling did not meet the statistical confidence thresholds required to predict the impact of this variant on ACVRL1 protein function. In summary, the available evidence is currently insufficient to determine the role of this variant in disease. Therefore, it has been classified as a Variant of Uncertain Significance.

NM_000020.3(ACVRL1):c.576C>G (p.Phe192Leu)

Gene: ACVRL1 (activin A receptor like type 1; plus strand). Cytogenetic location: 12q13.13.
Variant type: single nucleotide variant.
Coding change: c.576C>G on transcript NM_000020.3 (MANE Select); coding-DNA position 576, C replaced by G.
Protein change: p.Phe192Leu; replaces phenylalanine 192 with leucine.
Molecular consequence: missense variant. On other transcripts: intron variant (6).
Genome position (GRCh38, 1-based): chr12:51,914,024, C>G. VCF-style: chr12-51914024-C-G. GRCh37 (hg19) VCF-style: chr12-52307808-C-G.
Other names: c.576C>G, p.Phe192Leu (NM_001077401.2, NM_001406487.1, NM_001406488.1 and 1 more transcripts); c.314-415C>G (NM_001406491.1, NM_001406490.1, NM_001406492.1 and 2 more transcripts); c.62-415C>G (NM_001406495.1); short protein forms F192L.
Identifiers: ClinVar variation 2728369 (VCV002728369.3), dbSNP rs2540161613, ClinGen allele CA384899704.